The following is an entry in ClinVar:

NM_001378454.1(ALMS1):c.2138C>G (p.Ser713Cys)

Gene: ALMS1 (ALMS1 centrosome and basal body associated protein; plus strand). Cytogenetic location: 2p13.1.
Variant type: single nucleotide variant.
Coding change: c.2138C>G on transcript NM_001378454.1 (MANE Select); coding-DNA position 2138, C replaced by G.
Protein change: p.Ser713Cys; replaces serine 713 with cysteine.
Molecular consequence: missense variant.
Genome position (GRCh38, 1-based): chr2:73,448,665, C>G. VCF-style: chr2-73448665-C-G. GRCh37 (hg19) VCF-style: chr2-73675792-C-G.
Other names: c.2141C>G, p.Ser714Cys (NM_015120.4); short protein forms S714C, S713C.
Identifiers: ClinVar variation 553868 (VCV000553868.9), dbSNP rs771496254, ClinGen allele CA1713288.

ClinVar aggregate classification (germline): Uncertain significance. Review status: criteria provided, multiple submitters, no conflicts (2 of 4 stars). 4 submissions from 4 submitters: Uncertain significance (2). 2 of the submissions do not count toward it. Last evaluated 2024-06-19.

Conditions:
ALMS1-related disorder. Also called: ALMS1-related condition.
Cardiovascular phenotype. Identifiers: MedGen CN230736.
Alstrom syndrome (ALMS). Identifiers: Orphanet 64, MedGen C0268425, MONDO:0008763, OMIM 203800.

Allele frequency attached by ClinVar (database versions not stated): gnomAD exomes below 0.00001 and 0.00001; ExAC 0.00002.
gnomAD v4.1: 6 of 1,613,992 alleles (0.00037%); highest among the groups gnomAD compares: South Asian, 0.0033%; no homozygotes.

Submissions (4):

Labcorp Genetics (formerly Invitae), Labcorp
Classification: Uncertain significance for Alstrom syndrome. Last evaluated: 2024-06-19. Review status: criteria provided, single submitter. Criteria: Invitae Variant Classification Sherloc (09022015). Collection method: clinical testing. Allele origin: germline.
Comment: This sequence change replaces serine, which is neutral and polar, with cysteine, which is neutral and slightly polar, at codon 714 of the ALMS1 protein (p.Ser714Cys). This variant is present in population databases (rs771496254, gnomAD 0.003%). This variant has not been reported in the literature in individuals affected with ALMS1-related conditions. ClinVar contains an entry for this variant (Variation ID: 553868). Experimental studies and prediction algorithms are not available or were not evaluated, and the functional significance of this variant is currently unknown. In summary, the available evidence is currently insufficient to determine the role of this variant in disease. Therefore, it has been classified as a Variant of Uncertain Significance.

Ambry Genetics
Classification: Uncertain significance for Cardiovascular phenotype. Last evaluated: 2024-02-27. Review status: criteria provided, single submitter. Criteria: Ambry Variant Classification Scheme 2023. Collection method: clinical testing. Allele origin: germline.
Comment: The p.S714C variant (also known as c.2141C>G), located in coding exon 8 of the ALMS1 gene, results from a C to G substitution at nucleotide position 2141. The serine at codon 714 is replaced by cysteine, an amino acid with dissimilar properties. This amino acid position is well conserved in available vertebrate species. In addition, this alteration is predicted to be tolerated by in silico analysis. Based on the available evidence, the clinical significance of this alteration remains unclear.

PreventionGenetics, part of Exact Sciences
Classification: Uncertain significance for ALMS1-related condition. Last evaluated: 2023-10-18. Review status: no assertion criteria provided. Collection method: clinical testing. Allele origin: germline. Not counted in ClinVar's aggregate classification.
Comment: The ALMS1 c.2141C>G variant is predicted to result in the amino acid substitution p.Pro714Arg. To our knowledge, this variant has not been reported in the literature or in a large population database, indicating this variant is rare. At this time, the clinical significance of this variant is uncertain due to the absence of conclusive functional and genetic evidence.

Counsyl
Classification: Uncertain significance for Alstrom syndrome. Last evaluated: 2017-09-15. Review status: no assertion criteria provided. Collection method: clinical testing. Allele origin: unknown. Not counted in ClinVar's aggregate classification.